The following is an entry in ClinVar:

NM_006080.3(SEMA3A):c.267A>G (p.Gln89=)

Gene: SEMA3A (semaphorin 3A; minus strand). Cytogenetic location: 7q21.11.
Variant type: single nucleotide variant.
Coding change: c.267A>G on transcript NM_006080.3 (MANE Select); coding-DNA position 267, A replaced by G.
Protein change: p.Gln89=; no amino-acid change (glutamine 89 retained).
Molecular consequence: synonymous variant.
Genome position (GRCh38, 1-based): chr7:84,134,797, T>C on the plus strand (A>G on the coding strand, the complement: SEMA3A is on the minus strand). VCF-style: chr7-84134797-T-C. GRCh37 (hg19) VCF-style: chr7-83764113-T-C.
Identifiers: ClinVar variation 1293022 (VCV001293022.35), dbSNP rs74349534, ClinGen allele CA4323072.
Genomic context (GRCh38, chr7:84,134,797, plus strand): 5'-ATCTATAACTTGAGATGCTTCAAAATAACTATAGTGCATATATTAGAATACTGATACCTT[T>C]TGAAAATCCTTGATATTAACCAGGTCGAATGAAAATATGTGATCCTTTGCTCCAACATAC-3'
Protein context (NP_006071.1, residues 79-99): SFDLVNIKDF[Gln89=]KIVWPVSYTR

ClinVar aggregate classification (germline): Benign. Review status: criteria provided, multiple submitters, no conflicts (2 of 4 stars). 6 submissions from 6 submitters: Benign (5). 1 of the submissions does not count toward it. Last evaluated 2026-08-01.

Conditions:
SEMA3A-related disorder. Also called: SEMA3A-related condition.

Allele frequency attached by ClinVar (database versions not stated): 1000 Genomes Project 0.00280; 1000 Genomes Project 30x 0.00312; TOPMed 0.00697; ESP Exome Variant Server 0.00869; gnomAD 0.00883 and 0.00907; gnomAD exomes 0.00974; ExAC 0.01022.
gnomAD v4.1: 17,190 of 1,608,202 alleles (1.1%); highest among the groups gnomAD compares: Non-Finnish European, 1.2%; 132 homozygotes.

Submissions (6):

CeGaT Center for Human Genetics Tuebingen
Classification: Benign. Last evaluated: 2026-08-01. Review status: criteria provided, single submitter. Criteria: CeGaT Center For Human Genetics Tuebingen Variant Classification Criteria Version 2. Collection method: clinical testing. Allele origin: germline. Affected: yes. Observed: 5 variant alleles.
Comment: SEMA3A: BP4, BP7, BS1, BS2

Women's Health and Genetics/Laboratory Corporation of America, LabCorp
Classification: Benign. Last evaluated: 2026-05-11. Review status: criteria provided, single submitter. Criteria: LabCorp Variant Classification Summary - May 2015. Collection method: clinical testing. Allele origin: germline.

Labcorp Genetics (formerly Invitae), Labcorp
Classification: Benign. Last evaluated: 2026-01-28. Review status: criteria provided, single submitter. Criteria: Invitae Variant Classification Sherloc (09022015). Collection method: clinical testing. Allele origin: germline.

GeneDx
Classification: Benign. Last evaluated: 2020-03-31. Review status: criteria provided, single submitter. Criteria: GeneDx Variant Classification Process June 2021. Collection method: clinical testing. Allele origin: germline. Affected: yes.

Breakthrough Genomics
Classification: Benign. Review status: criteria provided, single submitter. Criteria: ACMG Guidelines, 2015. Collection method: not provided. Allele origin: germline. Inheritance: Autosomal dominant inheritance. Affected: yes.

PreventionGenetics, part of Exact Sciences
Classification: Benign for SEMA3A-related condition. Last evaluated: 2021-06-15. Review status: no assertion criteria provided. Collection method: clinical testing. Allele origin: germline. Not counted in ClinVar's aggregate classification.
Comment: This variant is classified as benign based on ACMG/AMP sequence variant interpretation guidelines (Richards et al. 2015 PMID: 25741868, with internal and published modifications).